The following is an entry in ClinVar:

NM_001254.4(CDC6):c.1169C>T (p.Ala390Val)

Gene: CDC6 (cell division cycle 6; plus strand). Cytogenetic location: 17q21.2.
Variant type: single nucleotide variant.
Coding change: c.1169C>T on transcript NM_001254.4 (MANE Select); coding-DNA position 1169, C replaced by T.
Protein change: p.Ala390Val; replaces alanine 390 with valine.
Molecular consequence: missense variant.
Genome position (GRCh38, 1-based): chr17:40,295,441, C>T. VCF-style: chr17-40295441-C-T. GRCh37 (hg19) VCF-style: chr17-38451693-C-T.
Other names: short protein forms A390V.
Identifiers: ClinVar variation 2786822 (VCV002786822.3), dbSNP rs2544140566, ClinGen allele CA399332664.
Genomic context (GRCh38, chr17:40,295,441, plus strand): 5'-ATGCTGCAGTTCAATTCTGTGCCCGCAAAGTCTCTGCTGTTTCAGGAGATGTTCGCAAAG[C>T]ACTGGATGTTTGCAGGTGAGTTACGGCTCTGTTGCATTCTTTTATTAAAAAAAAAAAAAA-3'
Protein context (NP_001245.1, residues 380-400): VSAVSGDVRK[Ala390Val]LDVCRRAIEI

ClinVar aggregate classification (germline): Uncertain significance (1 of 4 stars; one submission).

Allele frequency attached by ClinVar (database versions not stated): gnomAD exomes below 0.00001.

Submission:

Labcorp Genetics (formerly Invitae), Labcorp
Classification: Uncertain significance. Last evaluated: 2024-01-25. Review status: criteria provided, single submitter. Criteria: Invitae Variant Classification Sherloc (09022015). Collection method: clinical testing. Allele origin: germline.
Comment: This sequence change replaces alanine, which is neutral and non-polar, with valine, which is neutral and non-polar, at codon 390 of the CDC6 protein (p.Ala390Val). This variant is not present in population databases (gnomAD no frequency). This variant has not been reported in the literature in individuals affected with CDC6-related conditions. An algorithm developed to predict the effect of missense changes on protein structure and function (PolyPhen-2) suggests that this variant is likely to be disruptive. In summary, the available evidence is currently insufficient to determine the role of this variant in disease. Therefore, it has been classified as a Variant of Uncertain Significance.